The following is an entry in ClinVar:

ClinVar aggregate classification (germline): Uncertain significance (1 of 4 stars; one submission).

Conditions:
Hereditary cancer-predisposing syndrome. Also called: Neoplastic Syndromes, Hereditary; Tumor predisposition; Hereditary neoplastic syndrome; Hereditary Cancer Syndrome. Identifiers: Orphanet 140162, MedGen C0027672, MeSH D009386, MONDO:0015356.
Cardiovascular phenotype. Identifiers: MedGen CN230736.

Submission:

Ambry Genetics
Classification: Uncertain significance for Cardiovascular phenotype; Hereditary cancer-predisposing syndrome. Last evaluated: 2023-11-22. Review status: criteria provided, single submitter. Criteria: Ambry Variant Classification Scheme 2023. Collection method: clinical testing. Allele origin: germline.
Comment: The p.F258L variant (also known as c.774T>G), located in coding exon 8 of the LZTR1 gene, results from a T to G substitution at nucleotide position 774. The phenylalanine at codon 258 is replaced by leucine, an amino acid with highly similar properties. This amino acid position is conserved. In addition, the in silico prediction for this alteration is inconclusive. Since supporting evidence is limited at this time, the clinical significance of this alteration remains unclear.

NM_006767.4(LZTR1):c.774T>G (p.Phe258Leu)

Gene: LZTR1 (leucine zipper like post translational regulator 1; plus strand). Cytogenetic location: 22q11.21.
Variant type: single nucleotide variant.
Coding change: c.774T>G on transcript NM_006767.4 (MANE Select); coding-DNA position 774, T replaced by G.
Protein change: p.Phe258Leu; replaces phenylalanine 258 with leucine.
Molecular consequence: missense variant.
Genome position (GRCh38, 1-based): chr22:20,990,508, T>G. VCF-style: chr22-20990508-T-G. GRCh37 (hg19) VCF-style: chr22-21344797-T-G.
Other names: short protein forms F258L.
Identifiers: ClinVar variation 3238339 (VCV003238339.1), dbSNP rs2518615900.
Genomic context (GRCh38, chr22:20,990,508, plus strand): 5'-CAAGATGTTTGTATTCTCTGGGCAAAGCGGAGCCAAAATAACCAACAACCTCTTCCAGTT[T>G]GAATTCAAGGACAAGACGTGAGTACTCTGGCCAGTGGGGTGGAGGGAGGACGGTCAGTTC-3'
Protein context (NP_006758.2, residues 248-268): GAKITNNLFQ[Phe258Leu]EFKDKTWTRI